The following is an entry in ClinVar:

ClinVar aggregate classification (germline): Uncertain significance (1 of 4 stars; one submission).

Conditions:
Phenylketonuria (PKU). Also called: FOLLING DISEASE; OLIGOPHRENIA PHENYLPYRUVICA; Phenylketonurias; Phenylketonuria (PKU). Identifiers: Orphanet 716, MedGen C0031485, MONDO:0009861, OMIM 261600. Disease mechanism: loss of function.

Submission:

Labcorp Genetics (formerly Invitae), Labcorp
Classification: Uncertain significance for Phenylketonuria. Last evaluated: 2025-05-15. Review status: criteria provided, single submitter. Criteria: Invitae Variant Classification Sherloc (09022015). Collection method: clinical testing. Allele origin: germline.
Comment: This sequence change replaces serine, which is neutral and polar, with leucine, which is neutral and non-polar, at codon 295 of the PAH protein (p.Ser295Leu). This variant is not present in population databases (gnomAD no frequency). This variant has not been reported in the literature in individuals affected with PAH-related conditions. Invitae Evidence Modeling of protein sequence and biophysical properties (such as structural, functional, and spatial information, amino acid conservation, physicochemical variation, residue mobility, and thermodynamic stability) indicates that this missense variant is not expected to disrupt PAH protein function with a negative predictive value of 80%. In summary, the available evidence is currently insufficient to determine the role of this variant in disease. Therefore, it has been classified as a Variant of Uncertain Significance.

NM_000277.3(PAH):c.884C>T (p.Ser295Leu)

Genes: PAH (phenylalanine hydroxylase; minus strand), LOC126861615 (CDK7 strongly-dependent group 2 enhancer GRCh37_chr12:103244689-103245888; plus strand). Cytogenetic location: 12q23.2.
Variant type: single nucleotide variant.
Coding change: c.884C>T on transcript NM_000277.3 (MANE Select); coding-DNA position 884, C replaced by T.
Protein change: p.Ser295Leu; replaces serine 295 with leucine.
Molecular consequence: missense variant.
Genome position (GRCh38, 1-based): chr12:102,851,715, G>A on the plus strand (C>T on the coding strand, the complement: PAH is on the minus strand). VCF-style: chr12-102851715-G-A. GRCh37 (hg19) VCF-style: chr12-103245493-G-A.
Other names: c.884C>T, p.Ser295Leu (NM_001354304.2); short protein forms S295L.
Identifiers: ClinVar variation 4737621 (VCV004737621.1).
Genomic context (GRCh38, chr12:102,851,715, plus strand): 5'-ATAACTAGAAGGCTAAAAAATCCATTCCTTACCTGGGAAAACTGGGCAAAGCTGCGATCT[G>A]AAAACAAGGGCACATGTCCCAACAGCTCATGGCAGATGTCACTGAAAGACAGAAAGCACA-3'
Protein context (NP_000268.1, residues 285-305): HELLGHVPLF[Ser295Leu]DRSFAQFSQE